The following is an entry in ClinVar:

ClinVar aggregate classification (germline): Benign (1 of 4 stars; one submission).

Conditions:
Primary familial polycythemia due to EPO receptor mutation. Also called: ERYTHROCYTOSIS, SOMATIC; POLYCYTHEMIA, PRIMARY FAMILIAL AND CONGENITAL; Primary Familial Congenital Polycythemia; Erythrocytosis, familial, 1. Identifiers: Orphanet 90042, MedGen C4551637, MONDO:0007572, OMIM 133100.

Allele frequency attached by ClinVar (database versions not stated): TOPMed 0.00063; 1000 Genomes Project 0.00180; 1000 Genomes Project 30x 0.00187.
gnomAD v4.1: 144 of 454,026 alleles (0.032%); highest among the groups gnomAD compares: East Asian, 0.87%; 2 homozygotes.

Submission:

Illumina Laboratory Services, Illumina
Classification: Benign for Primary familial polycythemia due to EPO receptor mutation. Last evaluated: 2018-01-13. Review status: criteria provided, single submitter. Criteria: ICSL Variant Classification Criteria 13 December 2019. Collection method: clinical testing. Allele origin: germline.
Comment: This variant was observed in the ICSL laboratory as part of a predisposition screen in an ostensibly healthy population. It had not been previously curated by ICSL or reported in the Human Gene Mutation Database (HGMD: prior to June 1st, 2018), and was therefore a candidate for classification through an automated scoring system. Utilizing variant allele frequency, disease prevalence and penetrance estimates, and inheritance mode, an automated score was calculated to assess if this variant is too frequent to cause the disease. Based on the score and internal cut-off values, a variant classified as benign is not then subjected to further curation. The score for this variant resulted in a classification of benign for this disease.

NM_000121.4(EPOR):c.*577A>G

Gene: EPOR (erythropoietin receptor; minus strand). Cytogenetic location: 19p13.2.
Variant type: single nucleotide variant.
Coding change: c.*577A>G on transcript NM_000121.4 (MANE Select); 577 bases downstream of the stop codon, A replaced by G.
Molecular consequence: 3 prime UTR variant. On other transcripts: non-coding transcript variant (1).
Genome position (GRCh38, 1-based): chr19:11,377,407, T>C on the plus strand (A>G on the coding strand, the complement: EPOR is on the minus strand). VCF-style: chr19-11377407-T-C. GRCh37 (hg19) VCF-style: chr19-11488083-T-C.
Identifiers: ClinVar variation 328133 (VCV000328133.5), dbSNP rs141524122, ClinGen allele CA10652235.